The following is an entry in ClinVar:

NM_000264.5(PTCH1):c.3544C>T (p.Pro1182Ser)

Gene: PTCH1 (patched 1; minus strand). Cytogenetic location: 9q22.32.
Variant type: single nucleotide variant.
Coding change: c.3544C>T on transcript NM_000264.5 (MANE Select); coding-DNA position 3544, C replaced by T.
Protein change: p.Pro1182Ser; replaces proline 1182 with serine.
Molecular consequence: missense variant. On other transcripts: non-coding transcript variant (1).
Genome position (GRCh38, 1-based): chr9:95,449,846, G>A on the plus strand (C>T on the coding strand, the complement: PTCH1 is on the minus strand). VCF-style: chr9-95449846-G-A. GRCh37 (hg19) VCF-style: chr9-98212128-G-A.
Other names: c.3346C>T, p.Pro1116Ser (NM_001083602.3); c.3541C>T, p.Pro1181Ser (NM_001083603.3); c.3091C>T, p.Pro1031Ser (NM_001083604.3, NM_001083605.3, NM_001083606.3 and 1 more transcripts); c.3388C>T, p.Pro1130Ser (NM_001354918.2); short protein forms P1031S, P1130S, P1181S, P1116S, P1182S.
Identifiers: ClinVar variation 1036627 (VCV001036627.9), dbSNP rs1259037941, ClinGen allele CA374111442.

ClinVar aggregate classification (germline): Uncertain significance (1 of 4 stars; one submission).

Conditions:
Gorlin syndrome. Also called: Basal cell nevus syndrome; Nevoid Basal Cell Carcinoma Syndrome. Identifiers: Orphanet 377, MedGen C0004779, MONDO:0007187.

Submission:

Labcorp Genetics (formerly Invitae), Labcorp
Classification: Uncertain significance for Gorlin syndrome. Last evaluated: 2020-03-25. Review status: criteria provided, single submitter. Criteria: Invitae Variant Classification Sherloc (09022015). Collection method: clinical testing. Allele origin: germline.
Comment: In summary, the available evidence is currently insufficient to determine the role of this variant in disease. Therefore, it has been classified as a Variant of Uncertain Significance. Algorithms developed to predict the effect of missense changes on protein structure and function (SIFT, PolyPhen-2, Align-GVGD) all suggest that this variant is likely to be tolerated, but these predictions have not been confirmed by published functional studies and their clinical significance is uncertain. This variant has not been reported in the literature in individuals with PTCH1-related conditions. This variant is not present in population databases (ExAC no frequency). This sequence change replaces proline with serine at codon 1182 of the PTCH1 protein (p.Pro1182Ser). The proline residue is moderately conserved and there is a moderate physicochemical difference between proline and serine.